The following is an entry in ClinVar:

ClinVar aggregate classification (germline): Uncertain significance. Review status: criteria provided, multiple submitters, no conflicts (2 of 4 stars). 3 submissions from 3 submitters: Uncertain significance (3). Last evaluated 2025-12-11.

Conditions:
Cardiovascular phenotype. Identifiers: MedGen CN230736.
Long QT syndrome (LQTS). Identifiers: MedGen C0023976, MeSH D008133, MONDO:0002442. Disease mechanism: loss of function. Inheritance: Various modes of inheritance.

Allele frequency attached by ClinVar (database versions not stated): gnomAD 0.00001.
gnomAD v4.1: 1 of 1,613,946 alleles (0.000062%); highest among the groups gnomAD compares: East Asian, 0.0022%; no homozygotes.

Submissions (3):

Ambry Genetics
Classification: Uncertain significance for Cardiovascular phenotype. Last evaluated: 2025-12-11. Review status: criteria provided, single submitter. Criteria: Ambry Variant Classification Scheme 2023. Collection method: clinical testing. Allele origin: germline.

Labcorp Genetics (formerly Invitae), Labcorp
Classification: Uncertain significance for Long QT syndrome. Last evaluated: 2023-08-04. Review status: criteria provided, single submitter. Criteria: Invitae Variant Classification Sherloc (09022015). Collection method: clinical testing. Allele origin: germline.
Comment: In summary, the available evidence is currently insufficient to determine the role of this variant in disease. Therefore, it has been classified as a Variant of Uncertain Significance. Advanced modeling of protein sequence and biophysical properties (such as structural, functional, and spatial information, amino acid conservation, physicochemical variation, residue mobility, and thermodynamic stability) performed at Invitae indicates that this missense variant is not expected to disrupt ANK2 protein function. This sequence change replaces alanine, which is neutral and non-polar, with glycine, which is neutral and non-polar, at codon 3852 of the ANK2 protein (p.Ala3852Gly). The frequency data for this variant in the population databases is considered unreliable, as metrics indicate poor data quality at this position in the gnomAD database. This variant has not been reported in the literature in individuals affected with ANK2-related conditions. ClinVar contains an entry for this variant (Variation ID: 190609).

GeneDx
Classification: Uncertain significance. Last evaluated: 2014-09-26. Review status: criteria provided, single submitter. Criteria: GeneDx Variant Classification (06012015). Collection method: clinical testing. Allele origin: germline. Affected: yes.
Comment: p.Ala3852Gly (GCC>GGC): c.11555 C>G in exon 43 of the ANK2 gene (NM_001148.4). The A3852G variant has not been published as a mutation, nor has it been reported as a benign polymorphism to our knowledge. The A3852G variant was not observed in approximately 6,500 individuals of European and African American ancestry in the NHLBI Exome Sequencing Project, indicating it is not a common benign variant in these populations. However, the A3852G variant is a conservative amino acid substitution, which is not likely to impact secondary protein structure as these residues share similar properties. Additionally, this substitution occurs at a position that is not conserved across species and in silico analysis predicts this variant likely does not alter the protein structure/function. Furthermore, only one missense mutation in a nearby residue (T3844N) has been reported in association with LQTS, indicating this region of the protein may be tolerant of change. Therefore, based on the currently available information, it is unclear whether this variant is a pathogenic mutation or a rare benign variant.The variant is found in LQT panel(s).

NM_001148.6(ANK2):c.11555C>G (p.Ala3852Gly)

Gene: ANK2 (ankyrin 2; plus strand). Cytogenetic location: 4q26.
Variant type: single nucleotide variant.
Coding change: c.11555C>G on transcript NM_001148.6 (MANE Select); coding-DNA position 11555, C replaced by G.
Protein change: p.Ala3852Gly; replaces alanine 3852 with glycine.
Molecular consequence: missense variant.
Genome position (GRCh38, 1-based): chr4:113,369,750, C>G. VCF-style: chr4-113369750-C-G. GRCh37 (hg19) VCF-style: chr4-114290906-C-G.
Other names: p.A3852G:GCC>GGC; c.5273C>G, p.Ala1758Gly (NM_001127493.3); c.5312C>G, p.Ala1771Gly (NM_001354225.2); c.5201C>G, p.Ala1734Gly (NM_001354228.2, NM_001354258.2); c.5279C>G, p.Ala1760Gly (NM_001354230.2); c.5342C>G, p.Ala1781Gly (NM_001354231.2, NM_001354242.2); c.5336C>G, p.Ala1779Gly (NM_001354232.2); c.5297C>G, p.Ala1766Gly (NM_001354235.2, NM_001354246.2, NM_001354265.2); and 36 more; short protein forms A1758G, A3852G, A1692G, A1705G, A1720G, A1724G, A1733G, A1745G.
Identifiers: ClinVar variation 190609 (VCV000190609.9), dbSNP rs786205739, ClinGen allele CA301091.